The following is an entry in ClinVar:

ClinVar aggregate classification (germline): Uncertain significance. Review status: criteria provided, multiple submitters, no conflicts (2 of 4 stars). 2 submissions from 2 submitters: Uncertain significance (2). Last evaluated 2023-11-27.

Conditions:
Inborn genetic diseases. Identifiers: MedGen C0950123, MeSH D030342.

Allele frequency attached by ClinVar (database versions not stated): TOPMed below 0.00001; ExAC 0.00001; gnomAD 0.00001; gnomAD exomes 0.00001.
gnomAD v4.1: 9 of 1,613,812 alleles (0.00056%); highest among the groups gnomAD compares: South Asian, 0.0055%; no homozygotes.

Submissions (2):

Ambry Genetics
Classification: Uncertain significance for Inborn genetic diseases. Last evaluated: 2023-11-27. Review status: criteria provided, single submitter. Criteria: Ambry Variant Classification Scheme 2023. Collection method: clinical testing. Allele origin: germline.

Labcorp Genetics (formerly Invitae), Labcorp
Classification: Uncertain significance. Last evaluated: 2023-05-09. Review status: criteria provided, single submitter. Criteria: Invitae Variant Classification Sherloc (09022015). Collection method: clinical testing. Allele origin: germline.
Comment: This sequence change replaces arginine, which is basic and polar, with histidine, which is basic and polar, at codon 2156 of the NBAS protein (p.Arg2156His). This variant is present in population databases (rs769562325, gnomAD 0.007%). This variant has not been reported in the literature in individuals affected with NBAS-related conditions. Advanced modeling of protein sequence and biophysical properties (such as structural, functional, and spatial information, amino acid conservation, physicochemical variation, residue mobility, and thermodynamic stability) performed at Invitae indicates that this missense variant is not expected to disrupt NBAS protein function. In summary, the available evidence is currently insufficient to determine the role of this variant in disease. Therefore, it has been classified as a Variant of Uncertain Significance.

NM_015909.4(NBAS):c.6467G>A (p.Arg2156His)

Gene: NBAS (NBAS subunit of NRZ tethering complex; minus strand). Cytogenetic location: 2p24.3.
Variant type: single nucleotide variant.
Coding change: c.6467G>A on transcript NM_015909.4 (MANE Select); coding-DNA position 6467, G replaced by A.
Protein change: p.Arg2156His; replaces arginine 2156 with histidine.
Molecular consequence: missense variant. On other transcripts: non-coding transcript variant (1).
Genome position (GRCh38, 1-based): chr2:15,190,369, C>T on the plus strand (G>A on the coding strand, the complement: NBAS is on the minus strand). VCF-style: chr2-15190369-C-T. GRCh37 (hg19) VCF-style: chr2-15330493-C-T.
Other names: c.6467G>A (NM_015909.2); short protein forms R2156H.
Identifiers: ClinVar variation 2899497 (VCV002899497.4), dbSNP rs769562325, ClinGen allele CA1534997.